The following is an entry in ClinVar:

ClinVar aggregate classification (germline): Uncertain significance. Review status: criteria provided, multiple submitters, no conflicts (2 of 4 stars). 4 submissions from 4 submitters: Uncertain significance (3). 1 of the submissions does not count toward it. Last evaluated 2025-08-02.

Conditions:
Chronic granulomatous disease. Identifiers: Orphanet 379, MedGen C0018203, MONDO:0018305.
Granulomatous disease, chronic, autosomal recessive, cytochrome b-negative. Also called: CGD DUE TO DEFICIENCY OF THE ALPHA SUBUNIT OF CYTOCHROME b; CGD, AUTOSOMAL RECESSIVE CYTOCHROME b-NEGATIVE; CYBA DEFICIENCY; GRANULOMATOUS DISEASE, CHRONIC, AUTOSOMAL RECESSIVE, 4; Chronic granulomatous disease, autosomal, due to deficiency of CYBA. Identifiers: Orphanet 379, MedGen C1856255, MONDO:0009308, OMIM 233690.
Inborn genetic diseases. Identifiers: MedGen C0950123, MeSH D030342.

Allele frequency attached by ClinVar (database versions not stated): gnomAD exomes 0.00002 and 0.00009; gnomAD 0.00007 and 0.00009; TOPMed 0.00009; 1000 Genomes Project 30x 0.00047; 1000 Genomes Project 0.00060.
gnomAD v4.1: 46 of 1,535,422 alleles (0.003%); highest among the groups gnomAD compares: Admixed American, 0.039%; no homozygotes.

Submissions (4):

Ambry Genetics
Classification: Uncertain significance for Inborn genetic diseases. Last evaluated: 2025-08-02. Review status: criteria provided, single submitter. Criteria: Ambry Variant Classification Scheme 2023. Collection method: clinical testing. Allele origin: germline.

Blueprint Genetics
Classification: Uncertain significance. Last evaluated: 2024-03-08. Review status: criteria provided, single submitter. Criteria: ACMG Guidelines, 2015. Collection method: clinical testing. Allele origin: germline.

Labcorp Genetics (formerly Invitae), Labcorp
Classification: Uncertain significance for Granulomatous disease, chronic, autosomal recessive, cytochrome b-negative. Last evaluated: 2022-09-27. Review status: criteria provided, single submitter. Criteria: Invitae Variant Classification Sherloc (09022015). Collection method: clinical testing. Allele origin: germline.
Comment: This sequence change replaces glutamic acid, which is acidic and polar, with lysine, which is basic and polar, at codon 169 of the CYBA protein (p.Glu169Lys). This variant is present in population databases (rs572654914, gnomAD 0.05%). This variant has not been reported in the literature in individuals affected with CYBA-related conditions. ClinVar contains an entry for this variant (Variation ID: 851807). Algorithms developed to predict the effect of missense changes on protein structure and function are either unavailable or do not agree on the potential impact of this missense change (SIFT: "Deleterious"; PolyPhen-2: "Possibly Damaging"; Align-GVGD: "Class C0"). In summary, the available evidence is currently insufficient to determine the role of this variant in disease. Therefore, it has been classified as a Variant of Uncertain Significance.

Natera, Inc.
Classification: Uncertain significance for Chronic granulomatous disease. Last evaluated: 2020-01-24. Review status: no assertion criteria provided. Collection method: clinical testing. Allele origin: germline. Not counted in ClinVar's aggregate classification.

NM_000101.4(CYBA):c.505G>A (p.Glu169Lys)

Gene: CYBA (cytochrome b-245 alpha chain; minus strand). Cytogenetic location: 16q24.2.
Variant type: single nucleotide variant.
Coding change: c.505G>A on transcript NM_000101.4 (MANE Select); coding-DNA position 505, G replaced by A.
Protein change: p.Glu169Lys; replaces glutamic acid 169 with lysine.
Molecular consequence: missense variant.
Genome position (GRCh38, 1-based): chr16:88,643,436, C>T on the plus strand (G>A on the coding strand, the complement: CYBA is on the minus strand). VCF-style: chr16-88643436-C-T. GRCh37 (hg19) VCF-style: chr16-88709844-C-T.
Other names: c.505G>A (NM_000101.2); short protein forms E169K.
Identifiers: ClinVar variation 851807 (VCV000851807.7), dbSNP rs572654914, ClinGen allele CA286348216.